The following is an entry in ClinVar:

NM_001042681.2(RERE):c.2304C>G (p.Pro768=)

Gene: RERE (arginine-glutamic acid dipeptide repeats; minus strand). Cytogenetic location: 1p36.23.
Variant type: single nucleotide variant.
Coding change: c.2304C>G on transcript NM_001042681.2 (MANE Select); coding-DNA position 2304, C replaced by G.
Protein change: p.Pro768=; no amino-acid change (proline 768 retained).
Molecular consequence: synonymous variant.
Genome position (GRCh38, 1-based): chr1:8,361,203, G>C on the plus strand (C>G on the coding strand, the complement: RERE is on the minus strand). VCF-style: chr1-8361203-G-C. GRCh37 (hg19) VCF-style: chr1-8421263-G-C.
Other names: c.642C>G, p.Pro214= (NM_001042682.2); c.2304C>G, p.Pro768= (NM_012102.4).
Identifiers: ClinVar variation 2638172 (VCV002638172.24), dbSNP rs749874309, ClinGen allele CA571389.

ClinVar aggregate classification (germline): Likely benign (1 of 4 stars; one submission).

Allele frequency attached by ClinVar (database versions not stated): gnomAD 0.00004; TOPMed 0.00007.
gnomAD v4.1: 28 of 1,498,118 alleles (0.0019%); highest among the groups gnomAD compares: Admixed American, 0.028%; no homozygotes.

Submission:

CeGaT Center for Human Genetics Tuebingen
Classification: Likely benign. Last evaluated: 2023-09-01. Review status: criteria provided, single submitter. Criteria: CeGaT Center For Human Genetics Tuebingen Variant Classification Criteria Version 2. Collection method: clinical testing. Allele origin: germline. Affected: yes. Observed: 1 variant allele.
Comment: RERE: BP4, BP7